The following is an entry in ClinVar:

NM_000094.4(COL7A1):c.4781G>A (p.Arg1594Gln)

Gene: COL7A1 (collagen type VII alpha 1 chain; minus strand). Cytogenetic location: 3p21.31.
Variant type: single nucleotide variant.
Coding change: c.4781G>A on transcript NM_000094.4 (MANE Select); coding-DNA position 4781, G replaced by A.
Protein change: p.Arg1594Gln; replaces arginine 1594 with glutamine.
Molecular consequence: missense variant.
Genome position (GRCh38, 1-based): chr3:48,581,574, C>T on the plus strand (G>A on the coding strand, the complement: COL7A1 is on the minus strand). VCF-style: chr3-48581574-C-T. GRCh37 (hg19) VCF-style: chr3-48619007-C-T.
Other names: short protein forms R1594Q.
Identifiers: ClinVar variation 2919216 (VCV002919216.3), dbSNP rs149869536, ClinGen allele CA2379857.
Genomic context (GRCh38, chr3:48,581,574, plus strand): 5'-GTCAGGGTCCCACCACCTCATCTCCCTCTGTCACACTCCCCATTCCCACATTGATTCACC[C>T]GGTCTCCAGGGTCTCCCTTGGGGCCAGGGTCTCCAGGAAGAACCAAGCCGGGTGGGCCCT-3'
Protein context (NP_000085.1, residues 1584-1604): DPGPKGDPGD[Arg1594Gln]GPIGLTGRAG

ClinVar aggregate classification (germline): Uncertain significance (1 of 4 stars; one submission).

Allele frequency attached by ClinVar (database versions not stated): ExAC 0.00001; gnomAD exomes 0.00001; TOPMed 0.00001; ESP Exome Variant Server 0.00008.
gnomAD v4.1: 19 of 1,614,074 alleles (0.0012%); highest among the groups gnomAD compares: Middle Eastern, 0.016%; no homozygotes.

Submission:

Labcorp Genetics (formerly Invitae), Labcorp
Classification: Uncertain significance. Last evaluated: 2024-10-31. Review status: criteria provided, single submitter. Criteria: Invitae Variant Classification Sherloc (09022015). Collection method: clinical testing. Allele origin: germline.
Comment: This sequence change replaces arginine, which is basic and polar, with glutamine, which is neutral and polar, at codon 1594 of the COL7A1 protein (p.Arg1594Gln). This variant is present in population databases (rs149869536, gnomAD 0.002%). This variant has not been reported in the literature in individuals affected with COL7A1-related conditions. ClinVar contains an entry for this variant (Variation ID: 2919216). Experimental studies and prediction algorithms are not available or were not evaluated, and the functional significance of this variant is currently unknown. In summary, the available evidence is currently insufficient to determine the role of this variant in disease. Therefore, it has been classified as a Variant of Uncertain Significance.